The following is an entry in ClinVar:

NM_020822.3(KCNT1):c.550G>T (p.Ala184Ser)

Gene: KCNT1 (potassium sodium-activated channel subfamily T member 1; plus strand). Cytogenetic location: 9q34.3.
Variant type: single nucleotide variant.
Coding change: c.550G>T on transcript NM_020822.3 (MANE Select); coding-DNA position 550, G replaced by T.
Protein change: p.Ala184Ser; replaces alanine 184 with serine.
Molecular consequence: missense variant.
Genome position (GRCh38, 1-based): chr9:135,756,882, G>T. VCF-style: chr9-135756882-G-T. GRCh37 (hg19) VCF-style: chr9-138648728-G-T.
Other names: c.406G>T, p.Ala136Ser (NM_001272003.2); short protein forms A136S, A184S.
Identifiers: ClinVar variation 999711 (VCV000999711.9), dbSNP rs757371759, ClinGen allele CA5326516.
Genomic context (GRCh38, chr9:135,756,882, plus strand): 5'-CAGCCCCAGCCCCGGCCTGCTCCAGAGCTCCTTCCCTTTCCTGACTCCCAGGTCATCGTG[G>T]CCATAATAAGCTTCCTGGAGACGATGCTTCTCATCTACCTCAGCTACAAAGTGAGTGCCT-3'
Protein context (NP_065873.2, residues 174-194): MTLWAIQVIV[Ala184Ser]IISFLETMLL

ClinVar aggregate classification (germline): Uncertain significance (1 of 4 stars; one submission).

Conditions:
Autosomal dominant nocturnal frontal lobe epilepsy 5. Also called: KCNT1-Related Epilepsy; CILIARY DYSKINESIA, PRIMARY, 28, WITHOUT SITUS INVERSUS; CILIARY DYSKINESIA, PRIMARY, 28, WITH SITUS INVERSUS; Epilepsy, nocturnal frontal lobe, 5. Identifiers: Orphanet 98784, MedGen C3554306, MONDO:0014002, OMIM 615005.
Developmental and epileptic encephalopathy, 14 (DEE14). Also called: Early infantile epileptic encephalopathy 14. Identifiers: Orphanet 293181, MedGen C3554195, MONDO:0013989, OMIM 614959.

Allele frequency attached by ClinVar (database versions not stated): ExAC 0.00001; gnomAD 0.00001; gnomAD exomes 0.00001; TOPMed 0.00001.
gnomAD v4.1: 8 of 1,613,274 alleles (0.0005%); highest among the groups gnomAD compares: Non-Finnish European, 0.00068%; no homozygotes.

Submission:

Labcorp Genetics (formerly Invitae), Labcorp
Classification: Uncertain significance for Autosomal dominant nocturnal frontal lobe epilepsy 5; Developmental and epileptic encephalopathy, 14. Last evaluated: 2024-08-13. Review status: criteria provided, single submitter. Criteria: Invitae Variant Classification Sherloc (09022015). Collection method: clinical testing. Allele origin: germline.
Comment: This sequence change replaces alanine, which is neutral and non-polar, with serine, which is neutral and polar, at codon 184 of the KCNT1 protein (p.Ala184Ser). The frequency data for this variant in the population databases is considered unreliable, as metrics indicate poor data quality at this position in the gnomAD database. This variant has not been reported in the literature in individuals affected with KCNT1-related conditions. ClinVar contains an entry for this variant (Variation ID: 999711). Invitae Evidence Modeling of protein sequence and biophysical properties (such as structural, functional, and spatial information, amino acid conservation, physicochemical variation, residue mobility, and thermodynamic stability) indicates that this missense variant is not expected to disrupt KCNT1 protein function with a negative predictive value of 80%. In summary, the available evidence is currently insufficient to determine the role of this variant in disease. Therefore, it has been classified as a Variant of Uncertain Significance.